The following is an entry in ClinVar:

ClinVar aggregate classification (germline): Uncertain significance. Review status: criteria provided, multiple submitters, no conflicts (2 of 4 stars). 2 submissions from 2 submitters: Uncertain significance (2). Last evaluated 2022-06-17.

Allele frequency attached by ClinVar (database versions not stated): TOPMed below 0.00001; gnomAD 0.00001.
gnomAD v4.1: 1 of 1,613,164 alleles (0.000062%); highest among the groups gnomAD compares: Non-Finnish European, 0.000085%; no homozygotes.

Submissions (2):

Blueprint Genetics
Classification: Uncertain significance. Last evaluated: 2022-06-17. Review status: criteria provided, single submitter. Criteria: ACMG Guidelines, 2015. Collection method: clinical testing. Allele origin: germline.

Labcorp Genetics (formerly Invitae), Labcorp
Classification: Uncertain significance. Last evaluated: 2021-05-28. Review status: criteria provided, single submitter. Criteria: Invitae Variant Classification Sherloc (09022015). Collection method: clinical testing. Allele origin: germline.
Comment: In summary, the available evidence is currently insufficient to determine the role of this variant in disease. Therefore, it has been classified as a Variant of Uncertain Significance. Advanced modeling of protein sequence and biophysical properties (such as structural, functional, and spatial information, amino acid conservation, physicochemical variation, residue mobility, and thermodynamic stability) performed at Invitae indicates that this missense variant is expected to disrupt COL9A3 protein function. This variant has not been reported in the literature in individuals with COL9A3-related conditions. This variant is not present in population databases (ExAC no frequency). This sequence change replaces glycine with arginine at codon 274 of the COL9A3 protein (p.Gly274Arg). The glycine residue is highly conserved and there is a moderate physicochemical difference between glycine and arginine.

NM_001853.4(COL9A3):c.820G>A (p.Gly274Arg)

Gene: COL9A3 (collagen type IX alpha 3 chain; plus strand). Cytogenetic location: 20q13.33.
Variant type: single nucleotide variant.
Coding change: c.820G>A on transcript NM_001853.4 (MANE Select); coding-DNA position 820, G replaced by A.
Protein change: p.Gly274Arg; replaces glycine 274 with arginine.
Molecular consequence: missense variant.
Genome position (GRCh38, 1-based): chr20:62,827,268, G>A. VCF-style: chr20-62827268-G-A. GRCh37 (hg19) VCF-style: chr20-61458620-G-A.
Other names: short protein forms G274R.
Identifiers: ClinVar variation 1356836 (VCV001356836.9), dbSNP rs887575556, ClinGen allele CA317331969.